The following is an entry in ClinVar:

NR_185838.1(ATXN8OS):n.1041G>A

Gene: ATXN8OS (ATXN8 opposite strand lncRNA; plus strand). Cytogenetic location: 13q21.33.
Variant type: single nucleotide variant.
Molecular consequence: non-coding transcript variant (on NR_185838.1).
Genome position: GRCh38 VCF-style: chr13-70147771-G-A. GRCh37 (hg19) VCF-style: chr13-70721903-G-A.
Identifiers: ClinVar variation 3771719 (VCV003771719.13).

ClinVar aggregate classification (germline): Benign (1 of 4 stars; one submission).

gnomAD v4.1: 1,345 of 152,136 alleles (0.88%); highest among the groups gnomAD compares: Non-Finnish European, 1.3%; 10 homozygotes.

Submission:

CeGaT Center for Human Genetics Tuebingen
Classification: Benign. Last evaluated: 2026-07-01. Review status: criteria provided, single submitter. Criteria: CeGaT Center For Human Genetics Tuebingen Variant Classification Criteria Version 2. Collection method: clinical testing. Allele origin: germline. Affected: yes. Observed: 3 variant alleles.
Comment: ATXN8OS: BS1, BS2